The following is an entry in ClinVar:

ClinVar aggregate classification (germline): Likely benign. Review status: criteria provided, multiple submitters, no conflicts (2 of 4 stars). 2 submissions from 2 submitters: Likely benign (2). Last evaluated 2024-11-08.

Conditions:
Papillary renal cell carcinoma type 1 (RCCP1). Also called: Renal adenocarcinoma; Renal cell carcinoma 1; Renal cell carcinoma, somatic; RENAL CELL CARCINOMA, PAPILLARY, 1, SOMATIC. Identifiers: Orphanet 47044, MedGen C1336839, OMIM 605074, HP:0011797.
Renal cell carcinoma. Identifiers: Orphanet 217071, MedGen C0007134, MeSH D002292, MONDO:0005086, HP:0005584.

Allele frequency attached by ClinVar (database versions not stated): ExAC 0.00001; gnomAD 0.00001.
gnomAD v4.1: 2 of 1,605,614 alleles (0.00012%); highest among the groups gnomAD compares: South Asian, 0.0011%; no homozygotes.

Submissions (2):

Myriad Genetics, Inc.
Classification: Likely benign for Papillary renal cell carcinoma type 1. Last evaluated: 2024-11-08. Review status: criteria provided, single submitter. Criteria: Myriad Autosomal Dominant, Autosomal Recessive and X-Linked Classification Criteria (2023). Collection method: clinical testing. Allele origin: unknown.
Comment: This variant is considered likely benign. This variant is intronic and is not expected to impact mRNA splicing.

Labcorp Genetics (formerly Invitae), Labcorp
Classification: Likely benign for Renal cell carcinoma. Last evaluated: 2023-06-04. Review status: criteria provided, single submitter. Criteria: Invitae Variant Classification Sherloc (09022015). Collection method: clinical testing. Allele origin: germline.

NM_000245.4(MET):c.1863-13G>T

Gene: MET (MET proto-oncogene, receptor tyrosine kinase; plus strand). Cytogenetic location: 7q31.2.
Variant type: single nucleotide variant.
Coding change: c.1863-13G>T on transcript NM_000245.4 (MANE Select); 13 bases into the intron before coding-DNA position 1863, G replaced by T.
Molecular consequence: intron variant.
Genome position (GRCh38, 1-based): chr7:116,757,424, G>T. VCF-style: chr7-116757424-G-T. GRCh37 (hg19) VCF-style: chr7-116397478-G-T.
Other names: c.1863-13G>T (NM_001127500.3, NM_001324401.3); c.573-13G>T (NM_001324402.2).
Identifiers: ClinVar variation 2725543 (VCV002725543.4), dbSNP rs764856420, ClinGen allele CA4448307.